The following is an entry in ClinVar:

NM_006231.4(POLE):c.4576C>G (p.Leu1526Val)

Gene: POLE (DNA polymerase epsilon, catalytic subunit; minus strand). Cytogenetic location: 12q24.33.
Variant type: single nucleotide variant.
Coding change: c.4576C>G on transcript NM_006231.4 (MANE Select); coding-DNA position 4576, C replaced by G.
Protein change: p.Leu1526Val; replaces leucine 1526 with valine.
Molecular consequence: missense variant.
Genome position (GRCh38, 1-based): chr12:132,642,972, G>C on the plus strand (C>G on the coding strand, the complement: POLE is on the minus strand). VCF-style: chr12-132642972-G-C. GRCh37 (hg19) VCF-style: chr12-133219558-G-C.
Other names: short protein forms L1526V.
Identifiers: ClinVar variation 4844249 (VCV004844249.1).
Genomic context (GRCh38, chr12:132,642,972, plus strand): 5'-GGAGCTCAGGGCCCACCTTCTCCAGGAGGAGGCCGTGCTCTGCTGAGTACAGGGCGCCAA[G>C]GCTGGGCATCTGGTTGCTGCGCACCTAGACCAACGCAGGCCACGTCAGCCTCCCCCTGCG-3'
Protein context (NP_006222.2, residues 1516-1536): DTVRSNQMPS[Leu1526Val]GALYSAEHGL

ClinVar aggregate classification (germline): Uncertain significance (1 of 4 stars; one submission).

Conditions:
Hereditary cancer-predisposing syndrome. Also called: Neoplastic Syndromes, Hereditary; Tumor predisposition; Hereditary Cancer Syndrome; Hereditary neoplastic syndrome. Identifiers: Orphanet 140162, MedGen C0027672, MeSH D009386, MONDO:0015356.

Submission:

Ambry Genetics
Classification: Uncertain significance for Hereditary cancer-predisposing syndrome. Last evaluated: 2026-01-17. Review status: criteria provided, single submitter. Criteria: Ambry Variant Classification Scheme 2023. Collection method: clinical testing. Allele origin: germline.
Comment: The p.L1526V variant (also known as c.4576C>G), located in coding exon 36 of the POLE gene, results from a C to G substitution at nucleotide position 4576. The leucine at codon 1526 is replaced by valine, an amino acid with highly similar properties. This amino acid position is conserved. In addition, this alteration is predicted to be tolerated by in silico analysis. Based on the available evidence, the clinical significance of this variant remains unclear.